The following is an entry in ClinVar:

NM_005992.1(TBX1):c.1062G>C (p.Leu354Phe)

Gene: TBX1 (T-box transcription factor 1; plus strand). Cytogenetic location: 22q11.21.
Variant type: single nucleotide variant.
Coding change: c.1062G>C on transcript NM_005992.1; coding-DNA position 1062, G replaced by C.
Protein change: p.Leu354Phe; replaces leucine 354 with phenylalanine.
Molecular consequence: missense variant.
Genome position (GRCh38, 1-based): chr22:19,782,965, G>C. VCF-style: chr22-19782965-G-C. GRCh37 (hg19) VCF-style: chr22-19770488-G-C.
Other names: short protein forms L354F.
Identifiers: ClinVar variation 4685277 (VCV004685277.1).

ClinVar aggregate classification (germline): Uncertain significance (1 of 4 stars; one submission).

Submission:

GeneDx
Classification: Uncertain significance. Last evaluated: 2025-07-09. Review status: criteria provided, single submitter. Criteria: GeneDx Variant Classification Process June 2021. Collection method: clinical testing. Allele origin: germline. Affected: yes.
Comment: Not observed at significant frequency in large population cohorts (gnomAD); In silico analysis suggests that this missense variant does not alter protein structure/function; Has not been previously published as pathogenic or benign to our knowledge; Reported using an alternate transcript of the gene